The following is an entry in ClinVar:

ClinVar aggregate classification (germline): Uncertain significance (1 of 4 stars; one submission).

Conditions:
Hereditary cancer-predisposing syndrome. Also called: Neoplastic Syndromes, Hereditary; Hereditary neoplastic syndrome; Tumor predisposition; Hereditary Cancer Syndrome. Identifiers: Orphanet 140162, MedGen C0027672, MeSH D009386, MONDO:0015356.

Allele frequency attached by ClinVar (database versions not stated): gnomAD exomes below 0.00001; ExAC 0.00001.
gnomAD v4.1: 5 of 1,614,112 alleles (0.00031%); highest among the groups gnomAD compares: Non-Finnish European, 0.00042%; no homozygotes.

Submission:

Ambry Genetics
Classification: Uncertain significance for Hereditary cancer-predisposing syndrome. Last evaluated: 2025-09-04. Review status: criteria provided, single submitter. Criteria: Ambry Variant Classification Scheme 2023. Collection method: clinical testing. Allele origin: germline.
Comment: The p.G267D variant (also known as c.800G>A), located in coding exon 7 of the EPCAM gene, results from a G to A substitution at nucleotide position 800. The glycine at codon 267 is replaced by aspartic acid, an amino acid with similar properties. This amino acid position is conserved. In addition, this alteration is predicted to be deleterious by in silico analysis. Since supporting evidence is limited at this time, the clinical significance of this alteration remains unclear.

NM_002354.3(EPCAM):c.800G>A (p.Gly267Asp)

Gene: EPCAM (epithelial cell adhesion molecule; plus strand). Cytogenetic location: 2p21.
Variant type: single nucleotide variant.
Coding change: c.800G>A on transcript NM_002354.3 (MANE Select); coding-DNA position 800, G replaced by A.
Protein change: p.Gly267Asp; replaces glycine 267 with aspartic acid.
Molecular consequence: missense variant.
Genome position (GRCh38, 1-based): chr2:47,379,911, G>A. VCF-style: chr2-47379911-G-A. GRCh37 (hg19) VCF-style: chr2-47607050-G-A.
Other names: short protein forms G267D.
Identifiers: ClinVar variation 2477698 (VCV002477698.3), dbSNP rs763475158, ClinGen allele CA1649157.